The following is an entry in ClinVar:

NM_000506.5(F2):c.*97G>A

Gene: F2 (coagulation factor II, thrombin; plus strand). Cytogenetic location: 11p11.2.
Variant type: single nucleotide variant.
Coding change: c.*97G>A on transcript NM_000506.5 (MANE Select); 97 bases downstream of the stop codon, G replaced by A.
Genome position (GRCh38, 1-based): chr11:46,739,505, G>A. VCF-style: chr11-46739505-G-A. GRCh37 (hg19) VCF-style: chr11-46761055-G-A.
Other names: F2, 20210G-A; 20210G-A.
Identifiers: ClinVar variation 13310 (VCV000013310.158), dbSNP rs1799963, ClinGen allele CA325636.

ClinVar aggregate classification (germline): Pathogenic/Likely pathogenic/Pathogenic, low penetrance/Established risk allele; risk factor. Review status: criteria provided, multiple submitters, no conflicts (2 of 4 stars). 36 submissions from 33 submitters: Pathogenic (21); Likely pathogenic (2); Pathogenic, low penetrance (1); Established risk allele (1). 9 of the submissions do not count toward it. Last evaluated 2026-02-03.

Conditions:
Venous thromboembolism. Identifiers: MedGen C1861172, MeSH D054556, MONDO:0005399.
Thrombophilia due to thrombin defect (THPH1). Also called: Thrombosis susceptibility; THROMBOPHILIA DUE TO FACTOR 2 DEFECT; Prothrombin-Related Thrombophilia (Factor II); Prothrombin Thrombophilia. Identifiers: MedGen C3160733, MONDO:0008559, OMIM 188050. Disease mechanism: gain of function, loss of function.
Thrombophilia caused by F2 prothrombin deficiency.
Pregnancy loss, recurrent, susceptibility to, 2 (RPRGL2). Identifiers: MedGen C3280672, MONDO:0013728, OMIM 614390.
Congenital prothrombin deficiency. Also called: Hereditary factor II deficiency disease; Inherited hypoprothrombinemia; Congenital factor II deficiency; Inherited prothrombin deficiency; HYPOPROTHROMBINEMIA; Factor II deficiency. Identifiers: Orphanet 325, MedGen C0272317, MONDO:0013361, OMIM 613679.
Ischemic stroke. Also called: CEREBROVASCULAR ACCIDENT; Ischemic stroke, susceptibility to. Identifiers: MedGen C0948008, MONDO:1060198, OMIM 601367, HP:0002140.
Inborn genetic diseases. Identifiers: MedGen C0950123, MeSH D030342.
Cerebral palsy. Identifiers: MedGen C0007789, MONDO:0006497, HP:0100021.

Allele frequency attached by ClinVar (database versions not stated): 1000 Genomes Project 30x 0.00359; TOPMed 0.01047; gnomAD exomes 0.01160; 1000 Genomes Project 0.00359; gnomAD 0.00953 and 0.00979.

Submissions 1 to 7 of 36:

Labcorp Genetics (formerly Invitae), Labcorp
Classification: Pathogenic, low penetrance for Congenital prothrombin deficiency. Last evaluated: 2026-02-03. Review status: criteria provided, single submitter. Criteria: Invitae Variant Classification Sherloc (09022015). Collection method: clinical testing. Allele origin: germline.
Comment: This variant occurs in a non-coding region of the F2 gene. It does not change the encoded amino acid sequence of the F2 protein. This variant is present in population databases (rs1799963, gnomAD 1.8%), and has an allele count higher than expected for a pathogenic variant. This sequence change (rs1799963) is a common variant associated with prothrombin-related thrombophilia. It has historically been called prothrombin 20210G>A. As many as 1.7% to 3% of the general U.S. and European populations are heterozygous for this sequence change (PMID: 9569177, 20301327). Heterozygosity for this variant is associated with increased prothrombin levels, and a 2- to 4-fold increased risk of venous thrombosis over the baseline population (PMID: 19289024, 20301327). ClinVar contains an entry for this variant (Variation ID: 13310). For these reasons, this variant has been classified as Pathogenic (low penetrance).

Clinical Genomics Laboratory, Washington University in St. Louis
Classification: Pathogenic for Congenital prothrombin deficiency. Last evaluated: 2026-01-23. Review status: criteria provided, single submitter. Criteria: ACMG Guidelines, 2015. Collection method: clinical testing. Allele origin: germline. Affected: yes.
Comment: The F2 c.*97G>A variant, also reported as G20210A, has been reported as the second most common variant associated with an increased risk for venous thromboembolism (Franco RF et al., PMID: 10027711; Li C et al., PMID: 29051591; Margaglione M et al., PMID: 9669991; Poort SR et al., PMID: 8916933). A meta-analysis found an increase in risk of 2.21 (95% CI 1.7-2.87) for heterozygotes and 5.16 (95% CI 3.12-8.52) for homozygotes (Alnor AB et al., PMID: 39167180). The highest population minor allele frequency in the population database genome aggregation database (v.2.1.1) is 1.37% in the Ashkenazi Jewish population. Functional studies show this variant increases cleavage site recognition, increased 3’ end processing, and increased mRNA accumulation and protein synthesis, indicating that this variant impacts protein function (Gehring NH et al., PMID: 11443298). This variant has been reported in the ClinVar database as an established risk factor and/or pathogenic variant by multiple submitters. This variant, along with other genetic and environmental factors and based on available information and the ClinGen Low Penetrance/Risk Allele Working Group recommendations (Schmidt RJ et al., PMID: 38054408) is classified as an established risk allele.

Ambry Genetics
Classification: Established risk allele for Inborn genetic diseases. Last evaluated: 2025-12-08. Review status: criteria provided, single submitter. Criteria: Ambry Variant Classification Scheme 2023. Collection method: clinical testing. Allele origin: germline.
Comment: The c.*97G>A alteration is located in the 3' untranslated region (3'UTR) of the F2 gene. This alteration consists of a G to A substitution 97 nucleotides after the termination codon of the F2 gene. Based on data from gnomAD, the A allele has an overall frequency of 0.844% (265/31396) total alleles studied. The highest observed frequency was 1.769% (15/848) of Latino alleles. This variant was identified in one or more individuals with features consistent with thrombophilia, including increased pro-thrombin activity, and segregated with disease in at least one family (Soria, 2000; Simioni, 1998; Poort, 1996). The overall increase in risk for thrombosis is roughly 2-5 fold in heterozygotes and 3-5 fold in homozygotes, although this varies among studies (Gohil, 2009; Gonzalez, 2016; Ryu, 2024; Alnor, 2024; Kang, 2025). For example, a recent meta-analysis found an increase in risk of 2.21 (95% CI 1.70&ndash;2.87) for heterozygotes and 5.16 (95% CI 3.12&ndash;8.52) for homozygotes (Alnor, 2024). However, the penetrance of thrombotic events is incomplete, even in homozygotes (Soria, 2000; Shemesh, 2017). Therefore, the presence of this variant cannot predict the occurrence or recurrence of a thrombotic event in a specific individual (Kang, 2025). This nucleotide position is not well conserved in available vertebrate species. In multiple assays testing F2 function, this variant showed functionally abnormal results (Danckwardt, 2004; Gehring, 2001). Based on the available evidence, this alteration is classified as pathogenic for autosomal dominant prothrombin thrombophilia; however, it is unlikely to be causative of autosomal recessive congenital prothrombin deficiency.

3billion
Classification: Pathogenic for Thrombophilia due to thrombin defect. Last evaluated: 2025-11-18. Review status: criteria provided, single submitter. Criteria: ACMG Guidelines, 2015. Collection method: clinical testing. Allele origin: germline. Affected: yes.
Comment: The variant is observed in the gnomAD v4.1.0 dataset (total allele frequency: 1.138%). Predicted Consequence/Location: 3' UTR variant Functional studies provide strong evidence of the variant having a damaging effect on the gene or gene product (PMID: 15059842, 8916933). The variant has been reported at least twice as pathogenic with clinical assertions and evidence for the classification (ClinVar ID: VCV000013310 /3billion dataset). Therefore, this variant is classified as Pathogenic according to the recommendation of ACMG/AMP guideline.

Victorian Clinical Genetics Services, Murdoch Childrens Research Institute
Classification: Pathogenic for Thrombophilia due to thrombin defect. Last evaluated: 2025-09-10. Review status: criteria provided, single submitter. Criteria: ACMG Guidelines, 2015. Collection method: clinical testing. Allele origin: germline. Affected: yes.
Comment: This variant is classified as Pathogenic. Evidence in support of pathogenic classification: Non-coding variant with known effect. The c.*97G>A variant results in gain-of-function with elevated protein synthesis (PMID: 11443298); This variant has strong previous evidence of pathogenicity in unrelated individuals. This variant has been reported multiple times as pathogenic for venous thromboembolism and as a risk factor for both stroke and recurrent pregnancy loss (ClinVar; PMID: 30297698). A review study showed this variant is more prevalent in affected Italian, Brazilian and German individuals (PMID: 27031503). Evidence in support of benign classification: Variant is present in gnomAD >=0.01 for a dominant condition (v4: 16,578 heterozygote(s), 136 homozygote(s)); Same nucleotide change has been observed in placental mammals. Additional information: This variant is heterozygous; This gene is associated with both recessive and dominant disease. However, this variant is described to be semi-dominant as both homozygous and heterozygous individuals are at increased risk for venous thromboembolism, with homozygotes having a greater risk (OMIM, PMID: 30297698); Gain of function is a known mechanism of disease in this gene and is associated with thrombophilia due to a thrombin defect (MIM#188050) (OMIM); The condition associated with this gene has incomplete penetrance (PMID: 30297698).

Department of Paediatrics at Addenbrookes, Cambridge University Hospitals NHS Foundation Trust (UK)
Classification: Pathogenic for Thrombophilia due to thrombin defect. Last evaluated: 2025-05-27. Review status: criteria provided, single submitter. Criteria: Durkie Uk Practice Guidelines For Variant Classification V12 2024 (1). Collection method: clinical testing. Allele origin: unknown.
Comment: PS4_VeryStrong; PS3_Supporting;PM3_Moderate

Variantyx, Inc.
Classification: Pathogenic for Thrombophilia due to thrombin defect. Last evaluated: 2025-03-27. Review status: criteria provided, single submitter. Criteria: Variantyx Assertion Criteria 2022. Collection method: clinical testing. Allele origin: germline. Inheritance: Autosomal dominant inheritance. Affected: yes.
Comment: This is a heterozygous variant in the 3-prime untranslated region of the F2 gene (OMIM: 176930). This variant, also known as 20210G>A, is a common pathogenic risk factor for venous thromboembolism. The frequency of this variant in affected individuals is significantly increased compared to controls, and heterozygosity for this variant is associated with increased prothrombin levels and a 2 to 5-fold increased risk of venous thrombosis (PMID: 27031503, 19652888) (PS4). Functional studies have shown that this variant alters F2 protein function (PMID: 11443298, 12038788, 14717975, 20553951) (PS3). This variant has a 1.2897% maximum allele frequency in non-founder control populations. Based on the current evidence, this variant is classified as pathogenic with reduced penetrance for autosomal dominant thrombophilia 1 due to thrombin defect.